The following is an entry in ClinVar:

ClinVar aggregate classification (germline): Likely benign (3 of 4 stars; one submission).

Conditions:
Breast-ovarian cancer, familial, susceptibility to, 1 (BROVCA1). Also called: BRCA1 Hereditary Breast and Ovarian Cancer; OVARIAN CANCER, SUSCEPTIBILITY TO. Identifiers: Orphanet 145, MedGen C2676676, MONDO:0011450, OMIM 604370. Disease mechanism: loss of function.

Allele frequency attached by ClinVar (database versions not stated): gnomAD exomes below 0.00001; ExAC 0.00001.

Submission:

Evidence-based Network for the Interpretation of Germline Mutant Alleles (ENIGMA)
Classification: Likely benign for Breast-ovarian cancer, familial, susceptibility to, 1. Last evaluated: 2017-06-29. Review status: reviewed by expert panel. Criteria: ENIGMA BRCA1/2 Classification Criteria (2017-06-29). Collection method: curation. Allele origin: germline.
Comment: Synonymous substitution variant, with low bioinformatic likelihood to result in a splicing aberration (Splicing prior probability 0.02).

NM_007294.4(BRCA1):c.3381T>C (p.Tyr1127=)

Genes: BRCA1 (BRCA1 DNA repair associated; minus strand), LOC126862571 (BRD4-independent group 4 enhancer GRCh37_chr17:41243136-41244335; plus strand). Cytogenetic location: 17q21.31.
Variant type: single nucleotide variant.
Coding change: c.3381T>C on transcript NM_007294.4 (MANE Select); coding-DNA position 3381, T replaced by C.
Protein change: p.Tyr1127=; no amino-acid change (tyrosine 1127 retained).
Molecular consequence: synonymous variant. On other transcripts: intron variant (137).
Genome position (GRCh38, 1-based): chr17:43,092,150, A>G on the plus strand (T>C on the coding strand, the complement: BRCA1 is on the minus strand). VCF-style: chr17-43092150-A-G. GRCh37 (hg19) VCF-style: chr17-41244167-A-G.
Other names: c.3381T>C, p.Tyr1127= (NM_001407641.1, NM_001407642.1, NM_001407652.1 and 30 more transcripts); c.3378T>C, p.Tyr1126= (NM_001407644.1, NM_001407645.1, NM_001407860.1 and 22 more transcripts); c.3372T>C, p.Tyr1124= (NM_001407646.1, NM_001407647.1); c.3258T>C, p.Tyr1086= (NM_001407648.1, NM_001407664.1, NM_001407665.1 and 19 more transcripts); c.3255T>C, p.Tyr1085= (NM_001407649.1, NM_001407670.1, NM_001407671.1 and 11 more transcripts); c.3303T>C, p.Tyr1101= (NM_001407653.1, NM_001407654.1, NM_001407655.1 and 4 more transcripts); c.3300T>C, p.Tyr1100= (NM_001407659.1, NM_001407660.1, NM_001407661.1 and 1 more transcripts); c.3240T>C, p.Tyr1080= (NM_001407692.1, NM_001407694.1, NM_001407695.1 and 29 more transcripts); and 41 more.
Identifiers: ClinVar variation 427306 (VCV000427306.4), dbSNP rs781319410, ClinGen allele CA057926.